The following is an entry in ClinVar:

NM_032237.5(POMK):c.385C>T (p.Leu129Phe)

Gene: POMK (protein O-mannose kinase; plus strand). Cytogenetic location: 8p11.21.
Variant type: single nucleotide variant.
Coding change: c.385C>T on transcript NM_032237.5 (MANE Select); coding-DNA position 385, C replaced by T.
Protein change: p.Leu129Phe; replaces leucine 129 with phenylalanine.
Molecular consequence: missense variant.
Genome position (GRCh38, 1-based): chr8:43,122,209, C>T. VCF-style: chr8-43122209-C-T. GRCh37 (hg19) VCF-style: chr8-42977352-C-T.
Other names: c.385C>T, p.Leu129Phe (NM_001277971.2); short protein forms L129F.
Identifiers: ClinVar variation 1899455 (VCV001899455.5), dbSNP rs367723377, ClinGen allele CA4736279.
Genomic context (GRCh38, chr8:43,122,209, plus strand): 5'-CAGCTCACCAGCCTGGAGATGAAAGATGATTTCCTCCATGGACTGCAGATGCTGAAATCT[C>T]TCCAAGGCACACATGTTGTCACGCTGCTTGGCTATTGTGAGGATGACAACACTATGCTTA-3'
Protein context (NP_115613.1, residues 119-139): FLHGLQMLKS[Leu129Phe]QGTHVVTLLG

ClinVar aggregate classification (germline): Uncertain significance (1 of 4 stars; one submission).

Conditions:
Muscular dystrophy-dystroglycanopathy (congenital with brain and eye anomalies), type a, 12 (MDDGA12). Also called: WALKER-WARBURG SYNDROME OR MUSCLE-EYE-BRAIN DISEASE, POMK-RELATED. Identifiers: Orphanet 899, MedGen C3808964, MONDO:0014101, OMIM 615249.
Limb-girdle muscular dystrophy due to POMK deficiency. Also called: MUSCULAR DYSTROPHY-DYSTROGLYCANOPATHY, LIMB-GIRDLE, POMK-RELATED; Muscular dystrophy-dystroglycanopathy (limb-girdle), type c, 12. Identifiers: Orphanet 445110, MedGen C4015184, MONDO:0014489, OMIM 616094.

Allele frequency attached by ClinVar (database versions not stated): gnomAD exomes below 0.00001; ExAC 0.00001; gnomAD 0.00002; TOPMed 0.00003; ESP Exome Variant Server 0.00008.

Submission:

Labcorp Genetics (formerly Invitae), Labcorp
Classification: Uncertain significance for Muscular dystrophy-dystroglycanopathy (congenital with brain and eye anomalies), type a, 12; Limb-girdle muscular dystrophy due to POMK deficiency. Last evaluated: 2022-02-28. Review status: criteria provided, single submitter. Criteria: Invitae Variant Classification Sherloc (09022015). Collection method: clinical testing. Allele origin: germline.
Comment: In summary, the available evidence is currently insufficient to determine the role of this variant in disease. Therefore, it has been classified as a Variant of Uncertain Significance. Algorithms developed to predict the effect of missense changes on protein structure and function are either unavailable or do not agree on the potential impact of this missense change (SIFT: "Deleterious"; PolyPhen-2: "Possibly Damaging"; Align-GVGD: "Class C15"). This variant has not been reported in the literature in individuals affected with POMK-related conditions. This variant is present in population databases (rs367723377, gnomAD 0.007%). This sequence change replaces leucine, which is neutral and non-polar, with phenylalanine, which is neutral and non-polar, at codon 129 of the POMK protein (p.Leu129Phe).